The following is an entry in ClinVar:

ClinVar aggregate classification (germline): Likely benign. Review status: criteria provided, single submitter (1 of 4 stars). 2 submissions from 1 submitter: Likely benign (2). Last evaluated 2018-01-12.

Conditions:
Stickler syndrome type 2 (STL2). Also called: STICKLER SYNDROME, TYPE II; STICKLER SYNDROME, BEADED VITREOUS TYPE; STICKLER SYNDROME, VITREOUS TYPE 2; COL11A1-Related Stickler Syndrome. Identifiers: Orphanet 828, Orphanet 90654, MedGen C1858084, MONDO:0011493, OMIM 604841.
Fibrochondrogenesis 1 (FBCG1). Identifiers: Orphanet 2021, MedGen C3278138, MONDO:0009226, OMIM 228520.

Allele frequency attached by ClinVar (database versions not stated): gnomAD 0.00001 and 0.00005; gnomAD exomes 0.00003; TOPMed 0.00005; 1000 Genomes Project 0.00060; 1000 Genomes Project 30x 0.00062.
gnomAD v4.1: 29 of 647,366 alleles (0.0045%); highest among the groups gnomAD compares: East Asian, 0.044%; no homozygotes.

Submissions (2):

Illumina Laboratory Services, Illumina
Classification: Likely benign for Fibrochondrogenesis 1. Last evaluated: 2018-01-12. Review status: criteria provided, single submitter. Criteria: ICSL Variant Classification Criteria 13 December 2019. Collection method: clinical testing. Allele origin: germline.
Comment: This variant was observed in the ICSL laboratory as part of a predisposition screen in an ostensibly healthy population. It had not been previously curated by ICSL or reported in the Human Gene Mutation Database (HGMD: prior to June 1st, 2018), and was therefore a candidate for classification through an automated scoring system. Utilizing variant allele frequency, disease prevalence and penetrance estimates, and inheritance mode, an automated score was calculated to assess if this variant is too frequent to cause the disease. Based on the score and internal cut-off values, a variant classified as likely benign is not then subjected to further curation. The score for this variant resulted in a classification of likely benign for this disease.

Illumina Laboratory Services, Illumina
Classification: Likely benign for Stickler syndrome type 2. Last evaluated: 2018-01-12. Review status: criteria provided, single submitter. Criteria: ICSL Variant Classification Criteria 13 December 2019. Collection method: clinical testing. Allele origin: germline.
Comment: the same text as in the submission from Illumina Laboratory Services, Illumina above.

NM_001854.4(COL11A1):c.-188G>A

Gene: COL11A1 (collagen type XI alpha 1 chain; minus strand). Cytogenetic location: 1p21.1.
Variant type: single nucleotide variant.
Coding change: c.-188G>A on transcript NM_001854.4 (MANE Select); 188 bases upstream of the start codon, G replaced by A.
Molecular consequence: 5 prime UTR variant. On other transcripts: non-coding transcript variant (1).
Genome position (GRCh38, 1-based): chr1:103,108,366, C>T on the plus strand (G>A on the coding strand, the complement: COL11A1 is on the minus strand). VCF-style: chr1-103108366-C-T. GRCh37 (hg19) VCF-style: chr1-103573922-C-T.
Other names: c.-188G>A (NM_001190709.2, NM_080629.3, NM_080630.4).
Identifiers: ClinVar variation 291557 (VCV000291557.5), dbSNP rs372541219, ClinGen allele CA10607224.
Genomic context (GRCh38, chr1:103,108,366, plus strand): 5'-AGTCAAAGGGCTTTTTCTTCTAAATTTGATGGTTTGCGTTCTTCGTGTCTCTAGCCCTTT[C>T]CTCTCCCTCTGAGTTGGCCCCACCGGCCGGGACCCTCCGGCCGCGACCCTCTGATCCTTC-3'